The following is an entry in ClinVar:

ClinVar aggregate classification (germline): Uncertain significance. Review status: criteria provided, multiple submitters, no conflicts (2 of 4 stars). 4 submissions from 4 submitters: Uncertain significance (4). Last evaluated 2026-03-23.

Conditions:
Joubert syndrome 16 (JBTS16). Identifiers: Orphanet 2318, MedGen C3280906, MONDO:0013764, OMIM 614465.

Allele frequency attached by ClinVar (database versions not stated): gnomAD 0.00001; gnomAD exomes 0.00005 and 0.00009; TOPMed 0.00005; ExAC 0.00007.
gnomAD v4.1: 32 of 1,613,918 alleles (0.002%); highest among the groups gnomAD compares: Admixed American, 0.05%; no homozygotes.

Submissions (4):

Women's Health and Genetics/Laboratory Corporation of America, LabCorp
Classification: Uncertain significance. Last evaluated: 2026-03-23. Review status: criteria provided, single submitter. Criteria: LabCorp Variant Classification Summary - May 2015. Collection method: clinical testing. Allele origin: germline.

Labcorp Genetics (formerly Invitae), Labcorp
Classification: Uncertain significance for Joubert syndrome 16. Last evaluated: 2024-01-08. Review status: criteria provided, single submitter. Criteria: Invitae Variant Classification Sherloc (09022015). Collection method: clinical testing. Allele origin: germline.
Comment: This sequence change falls in intron 2 of the TMEM138 gene. It does not directly change the encoded amino acid sequence of the TMEM138 protein. It affects a nucleotide within the consensus splice site. This variant is present in population databases (rs754691659, gnomAD 0.07%). This variant has not been reported in the literature in individuals affected with TMEM138-related conditions. ClinVar contains an entry for this variant (Variation ID: 1204836). Variants that disrupt the consensus splice site are a relatively common cause of aberrant splicing (PMID: 17576681, 9536098). Algorithms developed to predict the effect of sequence changes on RNA splicing suggest that this variant may disrupt the consensus splice site. In summary, the available evidence is currently insufficient to determine the role of this variant in disease. Therefore, it has been classified as a Variant of Uncertain Significance.

Blueprint Genetics
Classification: Uncertain significance. Last evaluated: 2022-03-21. Review status: criteria provided, single submitter. Criteria: ACMG Guidelines, 2015. Collection method: clinical testing. Allele origin: germline.

GeneDx
Classification: Uncertain significance. Last evaluated: 2019-12-27. Review status: criteria provided, single submitter. Criteria: GeneDx Variant Classification Process June 2021. Collection method: clinical testing. Allele origin: germline. Affected: yes.
Comment: In silico analysis, which includes splice predictors and evolutionary conservation, supports a deleterious effect; Has not been previously published as pathogenic or benign to our knowledge

Literature cited by the submitters: PubMed 17576681 (cited by Labcorp Genetics (formerly Invitae), Labcorp); PubMed 9536098 (cited by Labcorp Genetics (formerly Invitae), Labcorp).

NM_016464.5(TMEM138):c.128+3G>T

Gene: TMEM138 (transmembrane protein 138; plus strand). Cytogenetic location: 11q12.2.
Variant type: single nucleotide variant.
Coding change: c.128+3G>T on transcript NM_016464.5 (MANE Select); 3 bases into the intron after coding-DNA position 128, G replaced by T.
Molecular consequence: intron variant.
Genome position (GRCh38, 1-based): chr11:61,364,521, G>T. VCF-style: chr11-61364521-G-T. GRCh37 (hg19) VCF-style: chr11-61131993-G-T.
Other names: c.-47+206G>T (NM_001330281.2).
Identifiers: ClinVar variation 1204836 (VCV001204836.9), dbSNP rs754691659, ClinGen allele CA6034522.